The following is an entry in ClinVar:

ClinVar aggregate classification (germline): Uncertain significance. Review status: criteria provided, multiple submitters, no conflicts (2 of 4 stars). 4 submissions from 4 submitters: Uncertain significance (3). 1 of the submissions does not count toward it. Last evaluated 2025-11-10.

Conditions:
KBG syndrome (KBGS). Also called: ANKRD11-Related KBG Syndrome. Identifiers: Orphanet 2332, MedGen C0220687, MONDO:0007846, OMIM 148050.
Intellectual disability. Also called: intellectual disabilities; Intellectual developmental disorder; Intellectual functioning disability. Identifiers: MedGen C3714756, MeSH D008607, MONDO:0001071, HP:0001249.

Allele frequency attached by ClinVar (database versions not stated): TOPMed 0.00001; gnomAD exomes 0.00002 and 0.00001; gnomAD 0.00003.
gnomAD v4.1: 28 of 1,608,826 alleles (0.0017%); highest among the groups gnomAD compares: Non-Finnish European, 0.0023%; no homozygotes.

Submissions (4):

Labcorp Genetics (formerly Invitae), Labcorp
Classification: Uncertain significance for KBG syndrome. Last evaluated: 2025-11-10. Review status: criteria provided, single submitter. Criteria: Invitae Variant Classification Sherloc (09022015). Collection method: clinical testing. Allele origin: germline.
Comment: This sequence change replaces glutamic acid, which is acidic and polar, with valine, which is neutral and non-polar, at codon 1717 of the ANKRD11 protein (p.Glu1717Val). This variant is present in population databases (rs551558075, gnomAD 0.006%). This variant has not been reported in the literature in individuals affected with ANKRD11-related conditions. ClinVar contains an entry for this variant (Variation ID: 973138). Invitae Evidence Modeling of protein sequence and biophysical properties (such as structural, functional, and spatial information, amino acid conservation, physicochemical variation, residue mobility, and thermodynamic stability) indicates that this missense variant is not expected to disrupt ANKRD11 protein function with a negative predictive value of 95%. In summary, the available evidence is currently insufficient to determine the role of this variant in disease. Therefore, it has been classified as a Variant of Uncertain Significance.

GeneDx
Classification: Uncertain significance. Last evaluated: 2023-05-21. Review status: criteria provided, single submitter. Criteria: GeneDx Variant Classification Process June 2021. Collection method: clinical testing. Allele origin: germline. Affected: yes.
Comment: Has not been previously published as pathogenic or benign to our knowledge; In silico analysis supports that this missense variant has a deleterious effect on protein structure/function; Missense variant in a gene in which most reported pathogenic variants are truncating/loss-of-function

Cambridge Genomics Laboratory, East Genomic Laboratory Hub, NHS Genomic Medicine Service
Classification: Uncertain significance for Intellectual disability. Last evaluated: 2019-11-11. Review status: criteria provided, single submitter. Criteria: ACGS Best Practice Guidelines for Variant Classification in Rare Disease 2020. Collection method: clinical testing. Allele origin: germline. Affected: yes. Observed: 1 variant allele.

Diagnostic Laboratory, Strasbourg University Hospital
Classification: Uncertain significance for Intellectual disability. Last evaluated: 2018-12-01. Review status: no assertion criteria provided. Collection method: clinical testing. Allele origin: maternal. Affected: yes. Observed: 1 heterozygote. Not counted in ClinVar's aggregate classification.

NM_013275.6(ANKRD11):c.5150A>T (p.Glu1717Val)

Gene: ANKRD11 (ankyrin repeat domain 11; minus strand). Cytogenetic location: 16q24.3.
Variant type: single nucleotide variant.
Coding change: c.5150A>T on transcript NM_013275.6 (MANE Select); coding-DNA position 5150, A replaced by T.
Protein change: p.Glu1717Val; replaces glutamic acid 1717 with valine.
Molecular consequence: missense variant.
Genome position (GRCh38, 1-based): chr16:89,281,392, T>A on the plus strand (A>T on the coding strand, the complement: ANKRD11 is on the minus strand). VCF-style: chr16-89281392-T-A. GRCh37 (hg19) VCF-style: chr16-89347800-T-A.
Other names: c.5150A>T, p.Glu1717Val (NM_001256182.2, NM_001256183.2); short protein forms E1717V.
Identifiers: ClinVar variation 973138 (VCV000973138.7), dbSNP rs551558075, ClinGen allele CA286514716.
Genomic context (GRCh38, chr16:89,281,392, plus strand): 5'-AACACGAGGTCCGCGTAGTCATCGGCGCTGCAGGACGGGGTCCTGGGCGTGTGCATCACC[T>A]CCTCGTAGCTGGGGCAGGATAGCACCGACGTAGGGGTGGGCACGCCAGTGGGCCGGCTCT-3'
Protein context (NP_037407.4, residues 1707-1727): TSVLSCPSYE[Glu1717Val]VMHTPRTPSC